The following is an entry in ClinVar:

ClinVar aggregate classification (germline): Conflicting classifications of pathogenicity. Review status: criteria provided, conflicting classifications (1 of 4 stars). 6 submissions from 6 submitters: Uncertain significance (5); Likely benign (1). Last evaluated 2026-02-17.

Conditions:
Cardiovascular phenotype. Identifiers: MedGen CN230736.
Progressive familial heart block type IB (PFHB1B). Identifiers: Orphanet 871, MedGen C1970298, MONDO:0011474, OMIM 604559.
Erythrokeratodermia variabilis et progressiva 6. Identifiers: MedGen C5193144, MONDO:0032801, OMIM 618531.

Allele frequency attached by ClinVar (database versions not stated): TOPMed 0.00007; gnomAD 0.00009 and 0.00010; gnomAD exomes 0.00012; ESP Exome Variant Server 0.00023.
gnomAD v4.1: 186 of 1,614,048 alleles (0.012%); highest among the groups gnomAD compares: Non-Finnish European, 0.014%; no homozygotes.

Submissions (6):

Ambry Genetics
Classification: Uncertain significance for Cardiovascular phenotype. Last evaluated: 2026-02-17. Review status: criteria provided, single submitter. Criteria: Ambry Variant Classification Scheme 2023. Collection method: clinical testing. Allele origin: germline.

Labcorp Genetics (formerly Invitae), Labcorp
Classification: Uncertain significance for Progressive familial heart block type IB. Last evaluated: 2025-12-08. Review status: criteria provided, single submitter. Criteria: Invitae Variant Classification Sherloc (09022015). Collection method: clinical testing. Allele origin: germline.
Comment: This sequence change replaces arginine, which is basic and polar, with cysteine, which is neutral and slightly polar, at codon 442 of the TRPM4 protein (p.Arg442Cys). This variant is present in population databases (rs148867331, gnomAD 0.02%). This missense change has been observed in individual(s) with clinical features of TRPM4-related conditions (PMID: 26820365, 30847666). ClinVar contains an entry for this variant (Variation ID: 860804). An algorithm developed to predict the effect of missense changes on protein structure and function (PolyPhen-2) suggests that this variant is likely to be disruptive. In summary, the available evidence is currently insufficient to determine the role of this variant in disease. Therefore, it has been classified as a Variant of Uncertain Significance.

Blueprint Genetics
Classification: Likely benign. Last evaluated: 2023-11-14. Review status: criteria provided, single submitter. Criteria: ACMG Guidelines, 2015. Collection method: clinical testing. Allele origin: germline.

GeneDx
Classification: Uncertain significance. Last evaluated: 2022-08-03. Review status: criteria provided, single submitter. Criteria: GeneDx Variant Classification Process June 2021. Collection method: clinical testing. Allele origin: germline. Affected: yes.
Comment: Reported in one individual with cardiac conduction defect and one individual with unspecified arrhythmia (Daumy et al., 2016; van Lint et al., 2019); In silico analysis supports that this missense variant has a deleterious effect on protein structure/function; This variant is associated with the following publications: (PMID: 26820365, 30142439, 30847666)

Clinical Genetics Laboratory, Skane University Hospital Lund
Classification: Uncertain significance. Last evaluated: 2022-05-27. Review status: criteria provided, single submitter. Criteria: ACMG Guidelines, 2015. Collection method: clinical testing. Allele origin: germline. Affected: yes.

Fulgent Genetics
Classification: Uncertain significance for Progressive familial heart block type IB; Erythrokeratodermia variabilis et progressiva 6. Last evaluated: 2022-02-10. Review status: criteria provided, single submitter. Criteria: ACMG Guidelines, 2015. Collection method: clinical testing. Allele origin: unknown.

Literature cited by the submitters: PubMed 26820365 (cited by Labcorp Genetics (formerly Invitae), Labcorp); PubMed 30847666 (cited by Labcorp Genetics (formerly Invitae), Labcorp).

NM_017636.4(TRPM4):c.1324C>T (p.Arg442Cys)

Gene: TRPM4 (transient receptor potential cation channel subfamily M member 4; plus strand). Cytogenetic location: 19q13.33.
Variant type: single nucleotide variant.
Coding change: c.1324C>T on transcript NM_017636.4 (MANE Select); coding-DNA position 1324, C replaced by T.
Protein change: p.Arg442Cys; replaces arginine 442 with cysteine.
Molecular consequence: missense variant. On other transcripts: 5 prime UTR variant (1).
Genome position (GRCh38, 1-based): chr19:49,182,638, C>T. VCF-style: chr19-49182638-C-T. GRCh37 (hg19) VCF-style: chr19-49685895-C-T.
Other names: c.1324C>T, p.Arg442Cys (NM_001195227.2); c.979C>T, p.Arg327Cys (NM_001321281.2); c.-230C>T (NM_001321282.2); c.802C>T, p.Arg268Cys (NM_001321283.2); c.262C>T, p.Arg88Cys (NM_001321285.2); short protein forms R268C, R88C, R327C, R442C.
Identifiers: ClinVar variation 860804 (VCV000860804.16), dbSNP rs148867331, ClinGen allele CA9569169.